The following is an entry in ClinVar:

NM_001001331.4(ATP2B2):c.1315T>C (p.Tyr439His)

Gene: ATP2B2 (ATPase plasma membrane Ca2+ transporting 2; minus strand). Cytogenetic location: 3p25.3.
Variant type: single nucleotide variant.
Coding change: c.1315T>C on transcript NM_001001331.4 (MANE Select); coding-DNA position 1315, T replaced by C.
Protein change: p.Tyr439His; replaces tyrosine 439 with histidine.
Molecular consequence: missense variant.
Genome position (GRCh38, 1-based): chr3:10,375,531, A>G on the plus strand (T>C on the coding strand, the complement: ATP2B2 is on the minus strand). VCF-style: chr3-10375531-A-G. GRCh37 (hg19) VCF-style: chr3-10417215-A-G.
Other names: c.1180T>C, p.Tyr394His (NM_001330611.3, NM_001353564.1, NM_001363862.1 and 2 more transcripts); c.1222T>C, p.Tyr408His (NM_001438646.1); short protein forms Y394H, Y439H, Y408H.
Identifiers: ClinVar variation 5008933 (VCV005008933.1).

ClinVar aggregate classification (germline): Uncertain significance (1 of 4 stars; one submission).

gnomAD v4.1: 1 of 1,613,734 alleles (0.000062%); highest among the groups gnomAD compares: Non-Finnish European, 0.000085%; no homozygotes.

Submission:

GeneDx
Classification: Uncertain significance. Last evaluated: 2026-02-19. Review status: criteria provided, single submitter. Criteria: GeneDx Variant Classification Process June 2021. Collection method: clinical testing. Allele origin: germline.
Comment: Not observed at significant frequency in large population cohorts (gnomAD); In silico analysis suggests that this missense variant does not alter protein structure/function; Has not been previously published as pathogenic or benign to our knowledge